The following is an entry in ClinVar:

ClinVar aggregate classification (germline): not provided (0 of 4 stars; one submission).

Allele frequency attached by ClinVar (database versions not stated): gnomAD exomes below 0.00001.
gnomAD v4.1: 1 of 1,613,732 alleles (0.000062%); highest among the groups gnomAD compares: Non-Finnish European, 0.000085%; no homozygotes.

Submission:

GeneDx
No classification provided. Last evaluated: 2014-08-15. Review status: no classification provided. Criteria: GeneDx Variant Classification (06012015). Collection method: clinical testing. Allele origin: germline. Affected: yes.
Comment: Missense variants in the TTN gene are considered 'unclassified' if they are not previously reported in the literature and do not have >1% frequency in the population to be considered a polymorphism. Research indicates that truncating mutations in the TTN gene are expected to account for approximately 25% of familial and 18% of sporadic idiopathic DCM; however, truncating variants in the TTN gene have been reported in approximately 3% of reported control alleles. There has been little investigation into non-truncating variants. (Herman D et al. Truncations of titin causing dilated cardiomyopathy. N Eng J Med 366:619-628, 2012) The variant is found in CARDIOMYOPATHY panel(s).

NM_001267550.2(TTN):c.99398A>C (p.Lys33133Thr)

Genes: TTN (titin; minus strand), TTN-AS1 (TTN antisense RNA 1; plus strand). Cytogenetic location: 2q31.2.
Variant type: single nucleotide variant.
Coding change: c.99398A>C on transcript NM_001267550.2 (MANE Select); coding-DNA position 99398, A replaced by C.
Protein change: p.Lys33133Thr; replaces lysine 33133 with threonine.
Molecular consequence: missense variant.
Genome position (GRCh38, 1-based): chr2:178,537,809, T>G on the plus strand (A>C on the coding strand, the complement: TTN is on the minus strand). VCF-style: chr2-178537809-T-G. GRCh37 (hg19) VCF-style: chr2-179402536-T-G.
Other names: p.K31492T:AAA>ACA; c.94475A>C, p.Lys31492Thr (NM_001256850.1); c.72203A>C, p.Lys24068Thr (NM_003319.4); c.91694A>C, p.Lys30565Thr (NM_133378.4); c.72578A>C, p.Lys24193Thr (NM_133432.3); c.72779A>C, p.Lys24260Thr (NM_133437.4); short protein forms K31492T, K33133T, K24193T, K24260T, K30565T, K24068T.
Identifiers: ClinVar variation 203047 (VCV000203047.1), dbSNP rs794729552, ClinGen allele CA311079.
Genomic context (GRCh38, chr2:178,537,809, plus strand): 5'-CCATCTGAAGACATTTTGTATTTCCGGCTTTGTATGAGCTCTTTACCAAATCTGTACCAT[T>G]TAATGTCAGGAAGAGGCCTTCCAACAATCTGGCATGAGAGTTGAGCAGCTTCACCCAATT-3'
Protein context (NP_001254479.2, residues 33123-33143): QIVGRPLPDI[Lys33133Thr]WYRFGKELIQ